The following is an entry in ClinVar:

ClinVar aggregate classification (germline): Pathogenic. Review status: criteria provided, multiple submitters, no conflicts (2 of 4 stars). 3 submissions from 3 submitters: Pathogenic (3). Last evaluated 2026-04-14.

Conditions:
Familial intrahepatic cholestasis. Identifiers: Orphanet 284385, MedGen CN296401, MONDO:0017290.

Submissions (3):

Genomenon, Inc
Classification: Pathogenic for Familial intrahepatic cholestasis. Last evaluated: 2026-04-14. Review status: criteria provided, single submitter. Criteria: Genomenon Sequence Variant Interpretation Standards - Updated. Collection method: curation. Allele origin: germline. Affected: yes.
Comment: ABCB4 p.Ala953Asp (c.2858C>A) is a missense variant that changes the amino acid at residue 953 from Alanine to Aspartic acid. This variant has been observed in at least one proband with an ABCB4-related disorder (PMID:29761167;19840255;15841457). The variant was found to segregate with disease in at least one affected family (PMID:19840255;29761167). At least one functional study has demonstrated a substantial alteration in protein function relative to the wild-type (PMID:24806754). It is absent or not present at a significant frequency in gnomAD. In silico models predict that this variant is possibly or probably damaging. In conclusion, we classify ABCB4 p.Ala953Asp (c.2858C>A) as a pathogenic variant.

CeGaT Center for Human Genetics Tuebingen
Classification: Pathogenic. Last evaluated: 2026-03-01. Review status: criteria provided, single submitter. Criteria: CeGaT Center For Human Genetics Tuebingen Variant Classification Criteria Version 2. Collection method: clinical testing. Allele origin: germline. Affected: yes. Observed: 9 variant alleles.
Comment: ABCB4: PM3:Strong, PM1, PM2, PP3, PS3:Supporting

Labcorp Genetics (formerly Invitae), Labcorp
Classification: Pathogenic. Last evaluated: 2025-11-23. Review status: criteria provided, single submitter. Criteria: Invitae Variant Classification Sherloc (09022015). Collection method: clinical testing. Allele origin: germline.
Comment: This sequence change replaces alanine, which is neutral and non-polar, with aspartic acid, which is acidic and polar, at codon 953 of the ABCB4 protein (p.Ala953Asp). This variant is not present in population databases (gnomAD no frequency). This missense change has been observed in individuals with autosomal recessive progressive familial intrahepatic cholestasis 3 (PMID: 15841457, 19840255, 29761167). ClinVar contains an entry for this variant (Variation ID: 1335676). Invitae Evidence Modeling of protein sequence and biophysical properties (such as structural, functional, and spatial information, amino acid conservation, physicochemical variation, residue mobility, and thermodynamic stability) indicates that this missense variant is expected to disrupt ABCB4 protein function with a positive predictive value of 80%. Experimental studies have shown that this missense change affects ABCB4 function (PMID: 24806754). For these reasons, this variant has been classified as Pathogenic.

Literature cited by the submitters: PubMed 29761167 (cited by Genomenon, Inc and Labcorp Genetics (formerly Invitae), Labcorp); PubMed 19840255 (cited by Genomenon, Inc and Labcorp Genetics (formerly Invitae), Labcorp); PubMed 15841457 (cited by Genomenon, Inc and Labcorp Genetics (formerly Invitae), Labcorp); PubMed 24806754 (cited by Genomenon, Inc and Labcorp Genetics (formerly Invitae), Labcorp).

NM_000443.4(ABCB4):c.2858C>A (p.Ala953Asp)

Gene: ABCB4 (ATP binding cassette subfamily B member 4; minus strand). Cytogenetic location: 7q21.12.
Variant type: single nucleotide variant.
Coding change: c.2858C>A on transcript NM_000443.4 (MANE Select); coding-DNA position 2858, C replaced by A.
Protein change: p.Ala953Asp; replaces alanine 953 with aspartic acid.
Molecular consequence: missense variant. On other transcripts: intron variant (1).
Genome position (GRCh38, 1-based): chr7:87,411,959, G>T on the plus strand (C>A on the coding strand, the complement: ABCB4 is on the minus strand). VCF-style: chr7-87411959-G-T. GRCh37 (hg19) VCF-style: chr7-87041275-G-T.
Other names: c.2858C>A, p.Ala953Asp (NM_018849.3); c.2783+1658C>A (NM_018850.3); short protein forms A953D.
Identifiers: ClinVar variation 1335676 (VCV001335676.37), dbSNP rs2116406254, ClinGen allele CA368060590.